The following is an entry in ClinVar:

ClinVar aggregate classification (germline): Pathogenic/Likely pathogenic. Review status: criteria provided, multiple submitters, no conflicts (2 of 4 stars). 3 submissions from 3 submitters: Pathogenic (2); Likely pathogenic (1). Last evaluated 2025-03-17.

Conditions:
Lysosomal acid lipase deficiency. Also called: Acid cholesteryl ester hydrolase deficiency, type 2. Identifiers: Orphanet 275761, MedGen C5574740, MONDO:0800449, MONDO:0010204.
Wolman disease (WOLD). Also called: Wolman disease with hypolipoproteinemia and acanthocytosis; Acid cholesteryl ester hydrolase deficiency, Wolman type; Acid lipase disease; LYSOSOMAL ACID LIPASE DEFICIENCY, ACUTE INFANTILE; LYSOSOMAL ACID LIPASE DEFICIENCY, COMPLETE; LIPA DEFICIENCY, COMPLETE. Identifiers: Orphanet 75233, MedGen C0043208, MONDO:0019148, OMIM 620151.

Submissions (3):

Natera, Inc.
Classification: Likely pathogenic for Lysosomal acid lipase deficiency. Last evaluated: 2025-03-17. Review status: criteria provided, single submitter. Criteria: Natera Variant Classification Schema (03/2026). Collection method: clinical testing. Allele origin: germline.
Comment: The c.929G>A variant in LIPA is a nonsense variant predicted to introduce a stop codon at amino acid 310. This variant is expected to result in nonsense mediated decay, truncation, or a dysfunctional protein product. This variant is rare in the general population with a frequency below the threshold expected for the associated phenotype(s). Given the available evidence, this variant is classified as Likely Pathogenic.

Labcorp Genetics (formerly Invitae), Labcorp
Classification: Pathogenic for Wolman disease. Last evaluated: 2023-03-01. Review status: criteria provided, single submitter. Criteria: Invitae Variant Classification Sherloc (09022015). Collection method: clinical testing. Allele origin: germline.
Comment: For these reasons, this variant has been classified as Pathogenic. This variant disrupts a region of the LIPA protein in which other variant(s) (p.Leu356*) have been determined to be pathogenic (PMID: 25852113). This suggests that this is a clinically significant region of the protein, and that variants that disrupt it are likely to be disease-causing. ClinVar contains an entry for this variant (Variation ID: 1455198). This variant has not been reported in the literature in individuals affected with LIPA-related conditions. This variant is not present in population databases (gnomAD no frequency). This sequence change creates a premature translational stop signal (p.Trp310*) in the LIPA gene. While this is not anticipated to result in nonsense mediated decay, it is expected to disrupt the last 90 amino acid(s) of the LIPA protein.

Baylor Genetics
Classification: Pathogenic for Cholesteryl ester storage disease. Last evaluated: 2022-07-19. Review status: criteria provided, single submitter. Criteria: ACMG Guidelines, 2015. Collection method: clinical testing. Allele origin: unknown.

Literature cited by the submitters: PubMed 25852113 (cited by Labcorp Genetics (formerly Invitae), Labcorp).

NM_000235.4(LIPA):c.929G>A (p.Trp310Ter)

Gene: LIPA (lipase A, lysosomal acid type; minus strand). Cytogenetic location: 10q23.31.
Variant type: single nucleotide variant.
Coding change: c.929G>A on transcript NM_000235.4 (MANE Select); coding-DNA position 929, G replaced by A.
Protein change: p.Trp310Ter; replaces tryptophan 310 with a stop codon.
Molecular consequence: nonsense.
Genome position (GRCh38, 1-based): chr10:89,215,975, C>T on the plus strand (G>A on the coding strand, the complement: LIPA is on the minus strand). VCF-style: chr10-89215975-C-T. GRCh37 (hg19) VCF-style: chr10-90975732-C-T.
Other names: c.929G>A (NM_000235.3); c.929G>A, p.Trp310Ter (NM_001127605.3); c.581G>A, p.Trp194Ter (NM_001288979.2); short protein forms W310*, W194*.
Identifiers: ClinVar variation 1455198 (VCV001455198.7), dbSNP rs2133413584, ClinGen allele CA377516542.